The following is an entry in ClinVar:

ClinVar aggregate classification (germline): Pathogenic (1 of 4 stars; one submission).

Conditions:
Hereditary insensitivity to pain with anhidrosis (CIPA). Also called: FAMILIAL DYSAUTONOMIA, TYPE II; hereditary sensory and autonomic neuropathy type 4; INSENSITIVITY TO PAIN, CONGENITAL, WITH ANHIDROSIS; HSAN Type IV; NEUROPATHY, CONGENITAL SENSORY, WITH ANHIDROSIS; NTRK1 Congenital Insensitivity to Pain with Anhidrosis. Identifiers: Orphanet 642, MedGen C0020074, MONDO:0009746, OMIM 256800.

Submission:

Labcorp Genetics (formerly Invitae), Labcorp
Classification: Pathogenic for Hereditary insensitivity to pain with anhidrosis. Last evaluated: 2022-12-30. Review status: criteria provided, single submitter. Criteria: Invitae Variant Classification Sherloc (09022015). Collection method: clinical testing. Allele origin: germline.
Comment: For these reasons, this variant has been classified as Pathogenic. This variant has not been reported in the literature in individuals affected with NTRK1-related conditions. This variant is not present in population databases (gnomAD no frequency). This sequence change creates a premature translational stop signal (p.His43Profs*27) in the NTRK1 gene. It is expected to result in an absent or disrupted protein product. Loss-of-function variants in NTRK1 are known to be pathogenic (PMID: 10982191).

Literature cited by the submitters: PubMed 10982191.

NM_002529.4(NTRK1):c.126_127dup (p.His43fs)

Gene: NTRK1 (neurotrophic receptor tyrosine kinase 1; plus strand). Cytogenetic location: 1q23.1.
Variant type: Duplication.
Coding change: c.126_127dup on transcript NM_002529.4 (MANE Select); coding-DNA positions 126 to 127, 2 bases duplicated (CC; older notation c.126_127dupCC).
Protein change: p.His43fs; shifts the reading frame from histidine 43.
Molecular consequence: frameshift variant. On other transcripts: intron variant (1).
Genome position (GRCh38, 1-based): chr1:156,861,060-156,861,061, CC duplicated; duplicating any 2 consecutive bases within chr1:156,861,057-156,861,061 gives the same sequence; the c. name uses the placement nearest the transcript's 3' end. VCF-style (leftmost placement, unchanged base first): chr1-156861056-G-GCC. GRCh37 (hg19) VCF-style: chr1-156830848-G-GCC.
Other names: c.126_127dup, p.His43Profs (NM_001007204.1); c.126_127dup, p.His43fs (NM_001012331.2); c.123-3294_123-3293dup (NM_001007792.1); short protein forms H43fs.
Identifiers: ClinVar variation 2824885 (VCV002824885.3), dbSNP rs1174707423, ClinGen allele CA2739275336.
Genomic context (GRCh38, chr1:156,861,056, plus strand): 5'-GCCTGCTGGCTTGGCTGATACTGGCATCTGCGGGCGCCGCACCCTGCCCCGATGCCTGCT[G>GCC]CCCCCACGGCTCCTCGGGACTGCGATGCACCCGGGATGGGGCCCTGGATAGCCTCCACCA-3'